The following is an entry in ClinVar:

NM_007194.4(CHEK2):c.1462-1G>T

Gene: CHEK2 (checkpoint kinase 2; minus strand). Cytogenetic location: 22q12.1.
Variant type: single nucleotide variant.
Coding change: c.1462-1G>T on transcript NM_007194.4 (MANE Select); the canonical splice acceptor site of the intron before coding-DNA position 1462, G replaced by T.
Molecular consequence: splice acceptor variant.
Genome position (GRCh38, 1-based): chr22:28,689,216, C>A on the plus strand (G>T on the coding strand, the complement: CHEK2 is on the minus strand). VCF-style: chr22-28689216-C-A. GRCh37 (hg19) VCF-style: chr22-29085204-C-A.
Other names: c.799-1G>T (NM_001437942.1, NM_001257387.3); c.1261-1G>T (NM_001349956.3); c.1375-1G>T (NM_145862.3); c.1468-1G>T (NM_001438295.1); c.1555-1G>T (NM_001438293.1); c.1504-1G>T (NM_001438294.1); c.1591-1G>T (NM_001005735.3).
Identifiers: ClinVar variation 4876150 (VCV004876150.1).

ClinVar aggregate classification (germline): Likely pathogenic (1 of 4 stars; one submission).

Conditions:
Familial cancer of breast. Also called: BREAST CANCER, FAMILIAL; Hereditary breast cancer; hereditary breast carcinoma. Identifiers: Orphanet 227535, MedGen C0346153, MONDO:0016419, OMIM 114480. Disease mechanism: loss of function.

Submission:

Myriad Genetics, Inc.
Classification: Likely pathogenic for Familial cancer of breast. Last evaluated: 2026-06-24. Review status: criteria provided, single submitter. Criteria: Myriad Autosomal Dominant, Autosomal Recessive and X-Linked Classification Criteria (2023). Collection method: clinical testing. Allele origin: unknown.
Comment: This variant is considered likely pathogenic. This variant occurs within a consensus splice junction and is predicted to result in abnormal mRNA splicing of either an out-of-frame exon or an in-frame exon necessary for protein stability and/or normal function.